The following is an entry in ClinVar:

NM_003638.3(ITGA8):c.360dup (p.Val121fs)

Gene: ITGA8 (integrin subunit alpha 8; minus strand). Cytogenetic location: 10p13.
Variant type: Duplication.
Coding change: c.360dup on transcript NM_003638.3 (MANE Select); coding-DNA position 360, one base duplicated (A; older notation c.360dupA).
Protein change: p.Val121fs; shifts the reading frame from valine 121.
Molecular consequence: frameshift variant.
Genome position (GRCh38, 1-based): chr10:15,688,022, T duplicated on the plus strand (A on the coding strand, the reverse complement: ITGA8 is on the minus strand). VCF-style (leftmost placement, unchanged base first): chr10-15688021-C-CT. GRCh37 (hg19) VCF-style: chr10-15730020-C-CT.
Other names: c.360dup, p.Val121fs (NM_001291494.2); short protein forms V121fs.
Identifiers: ClinVar variation 3372139 (VCV003372139.1).

ClinVar aggregate classification (germline): Pathogenic (1 of 4 stars; one submission).

Submission:

GeneDx
Classification: Pathogenic. Last evaluated: 2024-04-30. Review status: criteria provided, single submitter. Criteria: GeneDx Variant Classification Process June 2021. Collection method: clinical testing. Allele origin: germline. Affected: yes.
Comment: Frameshift variant predicted to result in protein truncation or nonsense mediated decay in a gene for which loss-of-function is a known mechanism of disease; Not observed in large population cohorts (gnomAD); Has not been previously published as pathogenic or benign to our knowledge